The following is an entry in ClinVar:

ClinVar aggregate classification (germline): Likely pathogenic (1 of 4 stars; one submission).

Conditions:
Achondrogenesis, type IA (ACG1A). Identifiers: Orphanet 932, Orphanet 93299, MedGen C0265273, MONDO:0008701, OMIM 200600.

Submission:

Laboratory for Molecular Medicine, Mass General Brigham Personalized Medicine
Classification: Likely pathogenic for Achondrogenesis, type IA. Last evaluated: 2018-07-05. Review status: criteria provided, single submitter. Criteria: LMM Criteria. Collection method: clinical testing. Allele origin: germline. Inheritance: Autosomal recessive inheritance. Observed: 1 variant allele.
Comment: The p.Lys1612SerfsX8 variant in TRIP11 has not been previously reported in indiv iduals with achondrogenesis type 1A. This variant has been identified in 1/33564 Latino chromosomes by the Genome Aggregation Database (gnomAD; dbSNP rs1274744069). Although this variant has been seen in th e general population, its frequency is low enough to be consistent with a recess ive carrier frequency. This variant is predicted to cause a frameshift, which al ters the protein?s amino acid sequence beginning at position 1612 and leads to a premature termination codon 8 amino acids downstream. This alteration is then p redicted to lead to a truncated or absent protein. In summary, although addition al studies are required to fully establish its clinical significance, the p.Lys1 612SerfsX8 variant is likely pathogenic. ACMG/AMP Criteria applied: PM2, PVS1_St rong.

NM_004239.4(TRIP11):c.4834_4837del (p.Lys1612fs)

Gene: TRIP11 (thyroid hormone receptor interactor 11; minus strand). Cytogenetic location: 14q32.12.
Variant type: Microsatellite.
Coding change: c.4834_4837del on transcript NM_004239.4 (MANE Select); coding-DNA positions 4834 to 4837, 4 bases deleted (AAAG; older notation c.4834_4837delAAAG).
Protein change: p.Lys1612fs; shifts the reading frame from lysine 1612.
Molecular consequence: frameshift variant.
Genome position (GRCh38, 1-based): chr14:91,999,295-91,999,298, CTTT deleted on the plus strand (AAAG on the coding strand, the reverse complement: TRIP11 is on the minus strand); deleting any 4 consecutive bases within chr14:91,999,295-91,999,305 gives the same sequence; the c. name uses the placement nearest the transcript's 3' end. VCF-style (leftmost placement, unchanged base first): chr14-91999294-ACTTT-A. GRCh37 (hg19) VCF-style: chr14-92465638-ACTTT-A.
Other names: c.4831_4834del, p.Lys1611fs (NM_001321851.1); short protein forms K1611fs, K1612fs.
Identifiers: ClinVar variation 666989 (VCV000666989.4), dbSNP rs1274744069, ClinGen allele CA615751152.